The following is an entry in ClinVar:

NM_001165963.4(SCN1A):c.4201G>A (p.Glu1401Lys)

Genes: SCN1A (sodium voltage-gated channel alpha subunit 1; minus strand), LOC102724058 (uncharacterized LOC102724058; plus strand). Cytogenetic location: 2q24.3.
Variant type: single nucleotide variant.
Coding change: c.4201G>A on transcript NM_001165963.4 (MANE Select); coding-DNA position 4201, G replaced by A.
Protein change: p.Glu1401Lys; replaces glutamic acid 1401 with lysine.
Molecular consequence: missense variant. On other transcripts: non-coding transcript variant (1).
Genome position (GRCh38, 1-based): chr2:166,002,555, C>T on the plus strand (G>A on the coding strand, the complement: SCN1A is on the minus strand). VCF-style: chr2-166002555-C-T. GRCh37 (hg19) VCF-style: chr2-166859065-C-T.
Other names: c.4117G>A, p.Glu1373Lys (NM_001165964.3, NM_001353957.2, NM_001353958.2); c.4201G>A, p.Glu1401Lys (NM_001202435.3, NM_001353948.2); c.4168G>A, p.Glu1390Lys (NM_001353949.2, NM_001353950.2, NM_001353951.2 and 2 more transcripts); c.4165G>A, p.Glu1389Lys (NM_001353954.2, NM_001353955.2); c.4114G>A, p.Glu1372Lys (NM_001353960.2); c.1759G>A, p.Glu587Lys (NM_001353961.2); short protein forms E1389K, E1372K, E1401K, E587K, E1373K, E1390K.
Identifiers: ClinVar variation 946948 (VCV000946948.10), dbSNP rs1691049407, ClinGen allele CA349050072.

ClinVar aggregate classification (germline): Uncertain significance (1 of 4 stars; one submission).

Conditions:
Early-infantile DEE. Also called: Early infantile epileptic encephalopathy; Ohtahara syndrome; Early infantile epileptic encephalopathy with suppression bursts. Identifiers: Orphanet 1934, MedGen C0393706, MONDO:0800491.

Submission:

Labcorp Genetics (formerly Invitae), Labcorp
Classification: Uncertain significance for Early-infantile DEE. Last evaluated: 2024-10-30. Review status: criteria provided, single submitter. Criteria: Invitae Variant Classification Sherloc (09022015). Collection method: clinical testing. Allele origin: germline.
Comment: This sequence change replaces glutamic acid, which is acidic and polar, with lysine, which is basic and polar, at codon 1401 of the SCN1A protein (p.Glu1401Lys). This variant is not present in population databases (gnomAD no frequency). This variant has not been reported in the literature in individuals affected with SCN1A-related conditions. ClinVar contains an entry for this variant (Variation ID: 946948). Invitae Evidence Modeling of protein sequence and biophysical properties (such as structural, functional, and spatial information, amino acid conservation, physicochemical variation, residue mobility, and thermodynamic stability) indicates that this missense variant is not expected to disrupt SCN1A protein function with a negative predictive value of 95%. In summary, the available evidence is currently insufficient to determine the role of this variant in disease. Therefore, it has been classified as a Variant of Uncertain Significance.